The following is an entry in ClinVar:

ClinVar aggregate classification (germline): Likely benign (1 of 4 stars; one submission).

gnomAD v4.1: 45 of 1,614,202 alleles (0.0028%); highest among the groups gnomAD compares: East Asian, 0.0045%; no homozygotes.

Submission:

CeGaT Center for Human Genetics Tuebingen
Classification: Likely benign. Last evaluated: 2025-10-01. Review status: criteria provided, single submitter. Criteria: CeGaT Center For Human Genetics Tuebingen Variant Classification Criteria Version 2. Collection method: clinical testing. Allele origin: germline. Affected: yes. Observed: 1 variant allele.
Comment: ZFHX3: BP4, BP7

NM_006885.4(ZFHX3):c.8634G>A (p.Ala2878=)

Genes: ZFHX3 (zinc finger homeobox 3; minus strand), ZFHX3-AS1 (ZFHX3 antisense RNA 1; plus strand). Cytogenetic location: 16q22.2.
Variant type: single nucleotide variant.
Coding change: c.8634G>A on transcript NM_006885.4 (MANE Select); coding-DNA position 8634, G replaced by A.
Protein change: p.Ala2878=; no amino-acid change (alanine 2878 retained).
Molecular consequence: synonymous variant.
Genome position (GRCh38, 1-based): chr16:72,794,048, C>T on the plus strand (G>A on the coding strand, the complement: ZFHX3 is on the minus strand). VCF-style: chr16-72794048-C-T. GRCh37 (hg19) VCF-style: chr16-72827947-C-T.
Other names: c.5892G>A, p.Ala1964= (NM_001164766.2); c.8634G>A, p.Ala2878= (NM_001386735.1).
Identifiers: ClinVar variation 4533663 (VCV004533663.6).